The following is an entry in ClinVar:

ClinVar aggregate classification (germline): Uncertain significance. Review status: criteria provided, multiple submitters, no conflicts (2 of 4 stars). 2 submissions from 2 submitters: Uncertain significance (2). Last evaluated 2025-03-13.

Allele frequency attached by ClinVar (database versions not stated): gnomAD 0.00011.
gnomAD v4.1: 32 of 1,602,726 alleles (0.002%); highest among the groups gnomAD compares: African/African-American, 0.035%; no homozygotes.

Submissions (2):

GeneDx
Classification: Uncertain significance. Last evaluated: 2025-03-13. Review status: criteria provided, single submitter. Criteria: GeneDx Variant Classification Process June 2021. Collection method: clinical testing. Allele origin: germline. Affected: yes.
Comment: In silico analysis supports that this missense variant has a deleterious effect on protein structure/function; Has not been previously published as pathogenic or benign to our knowledge

Ambry Genetics
Classification: Uncertain significance. Last evaluated: 2023-12-22. Review status: criteria provided, single submitter. Criteria: Ambry Variant Classification Scheme 2023. Collection method: clinical testing. Allele origin: germline.

NM_001813.3(CENPE):c.2860G>T (p.Asp954Tyr)

Gene: CENPE (centromere protein E; minus strand). Cytogenetic location: 4q24.
Variant type: single nucleotide variant.
Coding change: c.2860G>T on transcript NM_001813.3 (MANE Select); coding-DNA position 2860, G replaced by T.
Protein change: p.Asp954Tyr; replaces aspartic acid 954 with tyrosine.
Molecular consequence: missense variant.
Genome position (GRCh38, 1-based): chr4:103,158,628, C>A on the plus strand (G>T on the coding strand, the complement: CENPE is on the minus strand). VCF-style: chr4-103158628-C-A. GRCh37 (hg19) VCF-style: chr4-104079785-C-A.
Other names: c.2785G>T, p.Asp929Tyr (NM_001286734.2); short protein forms D954Y, D929Y.
Identifiers: ClinVar variation 3142282 (VCV003142282.2), dbSNP rs201814347, ClinGen allele CA3030204.